The following is an entry in ClinVar:

ClinVar aggregate classification (germline): Uncertain significance (1 of 4 stars; one submission).

Conditions:
Familial thoracic aortic aneurysm and aortic dissection (TAAD). Also called: Thoracic aortic aneurysms and dissections. Identifiers: Orphanet 91387, MedGen C4707243, MONDO:0019625.

Allele frequency attached by ClinVar (database versions not stated): gnomAD 0.00001; TOPMed 0.00001.
gnomAD v4.1: 7 of 1,614,106 alleles (0.00043%); highest among the groups gnomAD compares: South Asian, 0.0033%; no homozygotes.

Submission:

Labcorp Genetics (formerly Invitae), Labcorp
Classification: Uncertain significance for Familial thoracic aortic aneurysm and aortic dissection. Last evaluated: 2025-04-24. Review status: criteria provided, single submitter. Criteria: Invitae Variant Classification Sherloc (09022015). Collection method: clinical testing. Allele origin: germline.
Comment: This sequence change replaces proline, which is neutral and non-polar, with alanine, which is neutral and non-polar, at codon 152 of the SMAD3 protein (p.Pro152Ala). This variant is present in population databases (no rsID available, gnomAD 0.003%). This variant has not been reported in the literature in individuals affected with SMAD3-related conditions. ClinVar contains an entry for this variant (Variation ID: 1982491). Invitae Evidence Modeling of protein sequence and biophysical properties (such as structural, functional, and spatial information, amino acid conservation, physicochemical variation, residue mobility, and thermodynamic stability) indicates that this missense variant is not expected to disrupt SMAD3 protein function with a negative predictive value of 80%. In summary, the available evidence is currently insufficient to determine the role of this variant in disease. Therefore, it has been classified as a Variant of Uncertain Significance.

NM_005902.4(SMAD3):c.454C>G (p.Pro152Ala)

Gene: SMAD3 (SMAD family member 3; plus strand). Cytogenetic location: 15q22.33.
Variant type: single nucleotide variant.
Coding change: c.454C>G on transcript NM_005902.4 (MANE Select); coding-DNA position 454, C replaced by G.
Protein change: p.Pro152Ala; replaces proline 152 with alanine.
Molecular consequence: missense variant.
Genome position (GRCh38, 1-based): chr15:67,165,306, C>G. VCF-style: chr15-67165306-C-G. GRCh37 (hg19) VCF-style: chr15-67457644-C-G.
Other names: c.139C>G, p.Pro47Ala (NM_001145102.2, NM_001407016.1); c.322C>G, p.Pro108Ala (NM_001145103.2); c.454C>G, p.Pro152Ala (NM_001407011.1, NM_001407013.1); c.307C>G, p.Pro103Ala (NM_001407014.1); short protein forms P103A, P47A, P108A, P152A.
Identifiers: ClinVar variation 1982491 (VCV001982491.4), dbSNP rs1402001403, ClinGen allele CA392954338.